The following is an entry in ClinVar:

ClinVar aggregate classification (germline): Pathogenic/Likely pathogenic. Review status: criteria provided, multiple submitters, no conflicts (2 of 4 stars). 3 submissions from 3 submitters: Pathogenic (1); Likely pathogenic (1). 1 of the submissions does not count toward it. Last evaluated 2019-02-18.

Conditions:
Infantile hypotonia-oculomotor anomalies-hyperkinetic movements-developmental delay syndrome. Also called: BAKER-GORDON SYNDROME; NEURODEVELOPMENTAL DISORDER WITH INVOLUNTARY MOVEMENT AND ABNORMAL ELECTROENCEPHALOGRAM. Identifiers: Orphanet 522077, MedGen C4748715, MONDO:0033864, OMIM 618218.
SYT1-associated neurodevelopmental disorder.

Submissions (3):

SIB Swiss Institute of Bioinformatics
Classification: Likely pathogenic for Infantile hypotonia-oculomotor anomalies-hyperkinetic movements-developmental delay syndrome. Last evaluated: 2019-02-18. Review status: criteria provided, single submitter. Criteria: ACMG Guidelines, 2015. Collection method: curation. Allele origin: unknown.
Comment: This variant is interpreted as a Likely pathogenic for Baker-Gordon syndrome, autosomal dominant. The following ACMG Tag(s) were applied: PM2: Absent from controls (or at extremely low frequency if recessive) in Exome Sequencing Project, 1000 Genomes Project, or Exome Aggregation Consortium. PM6: Assumed de novo, but without confirmation of paternity and maternity. PS3-Moderate: Well-established functional studies show a deleterious effect (downgraded to Moderate). PM1: Located in a mutational hot spot and/or critical and well-established functional domain (e.g., active site of an enzyme) without benign variation.

Raymond Lab, University of Cambridge
Classification: Pathogenic for SYT1-associated neurodevelopmental disorder. Last evaluated: 2018-07-01. Review status: criteria provided, single submitter. Criteria: ACMG Guidelines, 2015. Collection method: research. Allele origin: de novo. Affected: yes. Observed: 1 variant allele.

OMIM
Classification: Pathogenic for BAKER-GORDON SYNDROME. Last evaluated: 2018-12-12. Review status: no assertion criteria provided. Collection method: literature only. Allele origin: germline. Not counted in ClinVar's aggregate classification.

Literature cited by the submitters: PubMed 25712080 (cited by SIB Swiss Institute of Bioinformatics and OMIM); PubMed 30107533 (cited by 3 submitters).

NM_005639.3(SYT1):c.908T>A (p.Met303Lys)

Gene: SYT1 (synaptotagmin 1; plus strand). Cytogenetic location: 12q21.2.
Variant type: single nucleotide variant.
Coding change: c.908T>A on transcript NM_005639.3 (MANE Select); coding-DNA position 908, T replaced by A.
Protein change: p.Met303Lys; replaces methionine 303 with lysine.
Molecular consequence: missense variant.
Genome position (GRCh38, 1-based): chr12:79,353,599, T>A. VCF-style: chr12-79353599-T-A. GRCh37 (hg19) VCF-style: chr12-79747379-T-A.
Other names: c.908T>A, p.Met303Lys (NM_001135806.2, NM_001135805.2); c.899T>A, p.Met300Lys (NM_001291901.2); short protein forms M303K, M300K.
Identifiers: ClinVar variation 590278 (VCV000590278.2), dbSNP rs1565922388, ClinGen allele CA385930590.